The following is an entry in ClinVar:

NM_005633.4(SOS1):c.1387C>T (p.Leu463Phe)

Gene: SOS1 (SOS Ras/Rac guanine nucleotide exchange factor 1; minus strand). Cytogenetic location: 2p22.1.
Variant type: single nucleotide variant.
Coding change: c.1387C>T on transcript NM_005633.4 (MANE Select); coding-DNA position 1387, C replaced by T.
Protein change: p.Leu463Phe; replaces leucine 463 with phenylalanine.
Molecular consequence: missense variant.
Genome position (GRCh38, 1-based): chr2:39,023,041, G>A on the plus strand (C>T on the coding strand, the complement: SOS1 is on the minus strand). VCF-style: chr2-39023041-G-A. GRCh37 (hg19) VCF-style: chr2-39250182-G-A.
Other names: c.1366C>T, p.Leu456Phe (NM_001382394.1); c.1387C>T, p.Leu463Phe (NM_001382395.1); short protein forms L456F, L463F.
Identifiers: ClinVar variation 3775366 (VCV003775366.1).

ClinVar aggregate classification (germline): Likely pathogenic (1 of 4 stars; one submission).

Conditions:
Noonan syndrome 4 (NS4). Also called: NOONAN SYNDROME WITH PIGMENTED VILLONODULAR SYNOVITIS; SOS1-Related Noonan Syndrome. Identifiers: Orphanet 648, MedGen C1853120, MONDO:0012547, OMIM 610733.

Submission:

3billion
Classification: Likely pathogenic for Noonan syndrome 4. Last evaluated: 2023-12-05. Review status: criteria provided, single submitter. Criteria: ACMG Guidelines, 2015. Collection method: clinical testing. Allele origin: germline. Affected: yes.
Comment: The variant is not observed in the gnomAD v2.1.1 dataset. Predicted Consequence/Location: The variant is located in a mutational hot spot and/or well-established functional domain in which established pathogenic variants have been reported (PMID: 29493581). Missense changes are a common disease-causing mechanism. In silico tool predictions suggest damaging effect of the variant on gene or gene product [REVEL: 0.93 (>=0.6, sensitivity 0.68 and specificity 0.92); 3Cnet: 0.92 (>=0.6, sensitivity 0.72 and precision 0.9)]. Same nucleotide change resulting in same amino acid change has been previously reported to be associated with SOS1 related disorder (3billion dataset). Therefore, this variant is classified as Likely pathogenic according to the recommendation of ACMG/AMP guideline.

Literature cited by the submitters: PubMed 29493581.